The following is an entry in ClinVar:

ClinVar aggregate classification (germline): Uncertain significance (1 of 4 stars; one submission).

Conditions:
IFT27-related disorder. Also called: IFT27-related condition.

gnomAD v4.1: 4 of 1,607,732 alleles (0.00025%); highest among the groups gnomAD compares: Non-Finnish European, 0.00034%; no homozygotes.

Submission:

PreventionGenetics, part of Exact Sciences
Classification: Uncertain significance for IFT27-related condition. Last evaluated: 2025-05-23. Review status: criteria provided, single submitter. Criteria: ACMG Guidelines, 2015. Collection method: clinical testing. Allele origin: germline.
Comment: The IFT27 c.235G>C variant is predicted to result in the amino acid substitution p.Glu79Gln. To our knowledge, this variant has not been reported in the literature or in a large population database, indicating this variant is rare. At this time, the clinical significance of this variant is uncertain due to the absence of conclusive functional and genetic evidence.

NM_001177701.3(IFT27):c.238G>C (p.Glu80Gln)

Genes: CACNG2-DT (CACNG2 divergent transcript; plus strand), IFT27 (intraflagellar transport 27; minus strand). Cytogenetic location: 22q12.3.
Variant type: single nucleotide variant.
Coding change: c.238G>C on transcript NM_001177701.3 (MANE Select); coding-DNA position 238, G replaced by C.
Protein change: p.Glu80Gln; replaces glutamic acid 80 with glutamine.
Molecular consequence: missense variant.
Genome position (GRCh38, 1-based): chr22:36,764,033, C>G on the plus strand (G>C on the coding strand, the complement: IFT27 is on the minus strand). VCF-style: chr22-36764033-C-G. GRCh37 (hg19) VCF-style: chr22-37160077-C-G.
Other names: c.238G>C, p.Glu80Gln (NM_001363003.2); c.235G>C, p.Glu79Gln (NM_006860.5); short protein forms E79Q, E80Q.
Identifiers: ClinVar variation 4987536 (VCV004987536.1).